The following is an entry in ClinVar:

ClinVar aggregate classification (germline): Uncertain significance (1 of 4 stars; one submission).

Allele frequency attached by ClinVar (database versions not stated): TOPMed 0.00001.
gnomAD v4.1: 7 of 1,577,050 alleles (0.00044%); highest among the groups gnomAD compares: Middle Eastern, 0.033%; no homozygotes.

Submission:

Labcorp Genetics (formerly Invitae), Labcorp
Classification: Uncertain significance. Last evaluated: 2021-08-18. Review status: criteria provided, single submitter. Criteria: Invitae Variant Classification Sherloc (09022015). Collection method: clinical testing. Allele origin: germline.
Comment: In summary, the available evidence is currently insufficient to determine the role of this variant in disease. Therefore, it has been classified as a Variant of Uncertain Significance. Algorithms developed to predict the effect of sequence changes on RNA splicing suggest that this variant may create or strengthen a splice site. Algorithms developed to predict the effect of missense changes on protein structure and function output the following: SIFT: "Tolerated"; PolyPhen-2: "Benign"; Align-GVGD: "Class C0". The tyrosine amino acid residue is found in multiple mammalian species, which suggests that this missense change does not adversely affect protein function. This variant has not been reported in the literature in individuals affected with TIMP3-related conditions. The frequency data for this variant in the population databases is considered unreliable, as metrics indicate insufficient coverage at this position in the ExAC database. This sequence change replaces aspartic acid with tyrosine at codon 18 of the TIMP3 protein (p.Asp18Tyr). The aspartic acid residue is weakly conserved and there is a large physicochemical difference between aspartic acid and tyrosine.

NM_000362.5(TIMP3):c.52G>T (p.Asp18Tyr)

Genes: SYN3 (synapsin III; minus strand), TIMP3 (TIMP metallopeptidase inhibitor 3; plus strand). Cytogenetic location: 22q12.3.
Variant type: single nucleotide variant.
Coding change: c.52G>T on transcript NM_000362.5 (MANE Select); coding-DNA position 52, G replaced by T.
Protein change: p.Asp18Tyr; replaces aspartic acid 18 with tyrosine.
Molecular consequence: missense variant. On other transcripts: intron variant (7).
Genome position (GRCh38, 1-based): chr22:32,802,053, G>T. VCF-style: chr22-32802053-G-T. GRCh37 (hg19) VCF-style: chr22-33198039-G-T.
Other names: c.708+62862C>A (NM_001369909.1, NM_001135774.2, NM_001369910.1); c.711+62862C>A (NM_001369907.1, NM_003490.4, NM_001369908.1 and 1 more transcripts); short protein forms D18Y.
Identifiers: ClinVar variation 1375822 (VCV001375822.6), dbSNP rs1324470172, ClinGen allele CA411538978.